The following is an entry in ClinVar:

ClinVar aggregate classification (germline): Uncertain significance. Review status: criteria provided, multiple submitters, no conflicts (2 of 4 stars). 2 submissions from 2 submitters: Uncertain significance (2). Last evaluated 2025-02-17.

Conditions:
Hereditary cancer-predisposing syndrome. Also called: Hereditary Cancer Syndrome; Neoplastic Syndromes, Hereditary; Hereditary neoplastic syndrome; Tumor predisposition. Identifiers: Orphanet 140162, MedGen C0027672, MeSH D009386, MONDO:0015356.
Hereditary breast ovarian cancer syndrome. Also called: BRCA1- and BRCA2-Associated Hereditary Breast and Ovarian Cancer; Hereditary breast and ovarian cancer syndrome; Hereditary breast and/or ovarian cancer syndrome; Breast and ovarian cancer; Hereditary breast and ovarian cancer; Hereditary breast and ovarian cancer syndrome (HBOC). Identifiers: Orphanet 145, MedGen C0677776, MeSH D061325, MONDO:0003582. Disease mechanism: loss of function.

Submissions (2):

Ambry Genetics
Classification: Uncertain significance for Hereditary cancer-predisposing syndrome. Last evaluated: 2025-02-17. Review status: criteria provided, single submitter. Criteria: Ambry Variant Classification Scheme 2023. Collection method: clinical testing. Allele origin: germline.
Comment: The p.P2886A variant (also known as c.8656C>G), located in coding exon 20 of the BRCA2 gene, results from a C to G substitution at nucleotide position 8656. The proline at codon 2886 is replaced by alanine, an amino acid with highly similar properties. This amino acid position is not well conserved in available vertebrate species. In addition, this alteration is predicted to be tolerated by in silico analysis. Since supporting evidence is limited at this time, the clinical significance of this alteration remains unclear.

Labcorp Genetics (formerly Invitae), Labcorp
Classification: Uncertain significance for Hereditary breast ovarian cancer syndrome. Last evaluated: 2024-05-21. Review status: criteria provided, single submitter. Criteria: Invitae Variant Classification Sherloc (09022015). Collection method: clinical testing. Allele origin: germline.
Comment: This sequence change replaces proline, which is neutral and non-polar, with alanine, which is neutral and non-polar, at codon 2886 of the BRCA2 protein (p.Pro2886Ala). This variant is not present in population databases (gnomAD no frequency). This variant has not been reported in the literature in individuals affected with BRCA2-related conditions. ClinVar contains an entry for this variant (Variation ID: 142794). Advanced modeling of protein sequence and biophysical properties (such as structural, functional, and spatial information, amino acid conservation, physicochemical variation, residue mobility, and thermodynamic stability) performed at Invitae indicates that this missense variant is not expected to disrupt BRCA2 protein function with a negative predictive value of 95%. In summary, the available evidence is currently insufficient to determine the role of this variant in disease. Therefore, it has been classified as a Variant of Uncertain Significance.

NM_000059.4(BRCA2):c.8656C>G (p.Pro2886Ala)

Gene: BRCA2 (BRCA2 DNA repair associated; plus strand). Cytogenetic location: 13q13.1.
Variant type: single nucleotide variant.
Coding change: c.8656C>G on transcript NM_000059.4 (MANE Select); coding-DNA position 8656, C replaced by G.
Protein change: p.Pro2886Ala; replaces proline 2886 with alanine.
Molecular consequence: missense variant.
Genome position (GRCh38, 1-based): chr13:32,376,693, C>G. VCF-style: chr13-32376693-C-G. GRCh37 (hg19) VCF-style: chr13-32950830-C-G.
Other names: short protein forms P2886A.
Identifiers: ClinVar variation 142794 (VCV000142794.15), dbSNP rs587782722, ClinGen allele CA025764.